The following is an entry in ClinVar:

ClinVar aggregate classification (germline): Pathogenic (1 of 4 stars; one submission).

Conditions:
Ataxia-telangiectasia syndrome (AT). Also called: Ataxia-telangiectasia; LOUIS-BAR SYNDROME; Ataxia-telangiectasia, complementation group D; AT, COMPLEMENTATION GROUP C; ATAXIA-TELANGIECTASIA, COMPLEMENTATION GROUP A; ATAXIA-TELANGIECTASIA, FRESNO VARIANT. Identifiers: Orphanet 100, MedGen C0004135, MONDO:0008840, OMIM 208900.

Submission:

Labcorp Genetics (formerly Invitae), Labcorp
Classification: Pathogenic for Ataxia-telangiectasia syndrome. Last evaluated: 2021-02-11. Review status: criteria provided, single submitter. Criteria: Invitae Variant Classification Sherloc (09022015). Collection method: clinical testing. Allele origin: germline.
Comment: This variant is not present in population databases (ExAC no frequency). This sequence change creates a premature translational stop signal (p.Asn2736Ilefs*15) in the ATM gene. It is expected to result in an absent or disrupted protein product. Loss-of-function variants in ATM are known to be pathogenic (PMID: 23807571, 25614872). This variant has not been reported in the literature in individuals with ATM-related conditions. For these reasons, this variant has been classified as Pathogenic.

Literature cited by the submitters: PubMed 23807571; PubMed 25614872.

NM_000051.4(ATM):c.8207del (p.Asn2736fs)

Genes: ATM (ATM serine/threonine kinase; plus strand), C11orf65 (chromosome 11 open reading frame 65; minus strand). Cytogenetic location: 11q22.3.
Variant type: Deletion.
Coding change: c.8207del on transcript NM_000051.4 (MANE Select); coding-DNA position 8207, one base deleted (A; older notation c.8207delA).
Protein change: p.Asn2736fs; shifts the reading frame from asparagine 2736.
Molecular consequence: frameshift variant. On other transcripts: intron variant (2).
Genome position (GRCh38, 1-based): chr11:108,335,900, A deleted; the last of 2 consecutive A bases (chr11:108,335,899-108,335,900); deleting either gives the same sequence. VCF-style (leftmost placement, unchanged base first): chr11-108335898-TA-T. GRCh37 (hg19) VCF-style: chr11-108206625-TA-T.
Other names: c.8207del, p.Asn2736fs (NM_001351834.2); c.641-26828del (NM_001330368.2); c.695-607del (NM_001351110.2); short protein forms N2736fs.
Identifiers: ClinVar variation 1453968 (VCV001453968.7), dbSNP rs587782525, ClinGen allele CA2573146686.